The following is an entry in ClinVar:

ClinVar aggregate classification (germline): Conflicting classifications of pathogenicity. Review status: criteria provided, conflicting classifications (1 of 4 stars). 2 submissions from 2 submitters: Uncertain significance (1); Likely benign (1). Last evaluated 2024-11-05.

Conditions:
Familial porphyria cutanea tarda (PCT). Also called: PCT, TYPE II; PORPHYRIA CUTANEA TARDA, TYPE II; PORPHYRIA, HEPATOCUTANEOUS TYPE; UROD DEFICIENCY; UROPORPHYRINOGEN DECARBOXYLASE DEFICIENCY; PCT, ''FAMILIAL'' TYPE. Identifiers: Orphanet 101330, Orphanet 443062, MedGen C0268323, MONDO:0008296, OMIM 176100.

Allele frequency attached by ClinVar (database versions not stated): gnomAD exomes 0.00009 and 0.00036; gnomAD 0.00010 and 0.00015; TOPMed 0.00011; ExAC 0.00028; 1000 Genomes Project 30x 0.00062; 1000 Genomes Project 0.00080.

Submissions (2):

Labcorp Genetics (formerly Invitae), Labcorp
Classification: Likely benign. Last evaluated: 2024-11-05. Review status: criteria provided, single submitter. Criteria: Invitae Variant Classification Sherloc (09022015). Collection method: clinical testing. Allele origin: germline.

Illumina Laboratory Services, Illumina
Classification: Uncertain significance for Familial porphyria cutanea tarda. Last evaluated: 2017-04-27. Review status: criteria provided, single submitter. Criteria: ICSL Variant Classification Criteria 13 December 2019. Collection method: clinical testing. Allele origin: germline.
Comment: This variant was observed as part of a predisposition screen in an ostensibly healthy population. A literature search was performed for the gene, cDNA change, and amino acid change (where applicable). Publications were found based on this search. However, the evidence from the literature, in combination with allele frequency data from public databases where available, was not sufficient to rule this variant in or out of causing disease. Therefore, this variant is classified as a variant of unknown significance.

Literature cited by the submitters: PubMed 24777812 (cited by Illumina Laboratory Services, Illumina).

NM_000374.5(UROD):c.158A>G (p.Gln53Arg)

Gene: UROD (uroporphyrinogen decarboxylase; plus strand). Cytogenetic location: 1p34.1.
Variant type: single nucleotide variant.
Coding change: c.158A>G on transcript NM_000374.5 (MANE Select); coding-DNA position 158, A replaced by G.
Protein change: p.Gln53Arg; replaces glutamine 53 with arginine.
Molecular consequence: missense variant. On other transcripts: non-coding transcript variant (3).
Genome position (GRCh38, 1-based): chr1:45,013,160, A>G. VCF-style: chr1-45013160-A-G. GRCh37 (hg19) VCF-style: chr1-45478832-A-G.
Other names: short protein forms Q53R.
Identifiers: ClinVar variation 741478 (VCV000741478.10), dbSNP rs199597323, ClinGen allele CA825154.